The following is an entry in ClinVar:

ClinVar aggregate classification (germline): Benign/Likely benign. Review status: criteria provided, multiple submitters, no conflicts (2 of 4 stars). 2 submissions from 2 submitters: Benign (1); Likely benign (1). Last evaluated 2024-11-06.

Conditions:
Hereditary cancer-predisposing syndrome. Also called: Hereditary neoplastic syndrome; Hereditary Cancer Syndrome; Neoplastic Syndromes, Hereditary; Tumor predisposition. Identifiers: Orphanet 140162, MedGen C0027672, MeSH D009386, MONDO:0015356.
Papillary renal cell carcinoma type 1 (RCCP1). Also called: Renal adenocarcinoma; Renal cell carcinoma 1; Renal cell carcinoma, somatic; RENAL CELL CARCINOMA, PAPILLARY, 1, SOMATIC. Identifiers: Orphanet 47044, MedGen C1336839, OMIM 605074, HP:0011797.

Submissions (2):

Myriad Genetics, Inc.
Classification: Benign for Papillary renal cell carcinoma type 1. Last evaluated: 2024-11-06. Review status: criteria provided, single submitter. Criteria: Myriad Autosomal Dominant, Autosomal Recessive and X-Linked Classification Criteria (2023). Collection method: clinical testing. Allele origin: unknown.
Comment: This variant is considered benign. This variant is a silent/synonymous amino acid change and it is not expected to impact splicing.

Ambry Genetics
Classification: Likely benign for Hereditary cancer-predisposing syndrome. Last evaluated: 2023-04-03. Review status: criteria provided, single submitter. Criteria: Ambry Variant Classification Scheme 2023. Collection method: clinical testing. Allele origin: germline.

NM_000245.4(MET):c.165C>T (p.Val55=)

Gene: MET (MET proto-oncogene, receptor tyrosine kinase; plus strand). Cytogenetic location: 7q31.2.
Variant type: single nucleotide variant.
Coding change: c.165C>T on transcript NM_000245.4 (MANE Select); coding-DNA position 165, C replaced by T.
Protein change: p.Val55=; no amino-acid change (valine 55 retained).
Molecular consequence: synonymous variant. On other transcripts: intron variant (1).
Genome position (GRCh38, 1-based): chr7:116,699,249, C>T. VCF-style: chr7-116699249-C-T. GRCh37 (hg19) VCF-style: chr7-116339303-C-T.
Other names: c.165C>T, p.Val55= (NM_001127500.3, NM_001324401.3); c.-91+26672C>T (NM_001324402.2).
Identifiers: ClinVar variation 2567678 (VCV002567678.3), dbSNP rs915978772, ClinGen allele CA164887902.